The following is an entry in ClinVar:

ClinVar aggregate classification (germline): Likely benign (1 of 4 stars; one submission).

Conditions:
Megalencephalic leukoencephalopathy with subcortical cysts 1 (MLC1). Also called: LEUKOENCEPHALOPATHY WITH SWELLING AND CYSTS; VACUOLATING MEGALENCEPHALIC LEUKOENCEPHALOPATHY WITH SUBCORTICAL CYSTS. Identifiers: Orphanet 2478, MedGen C5779875, MONDO:0024555, OMIM 604004.

Allele frequency attached by ClinVar (database versions not stated): 1000 Genomes Project 0.00319; 1000 Genomes Project 30x 0.00328; gnomAD 0.00372 and 0.00406; TOPMed 0.00397.
gnomAD v4.1: 559 of 152,442 alleles (0.37%); highest among the groups gnomAD compares: African/African-American, 1.2%; 2 homozygotes.

Submission:

Illumina Laboratory Services, Illumina
Classification: Likely benign for Megalencephalic leukoencephalopathy with subcortical cysts 1. Last evaluated: 2018-01-12. Review status: criteria provided, single submitter. Criteria: ICSL Variant Classification Criteria 13 December 2019. Collection method: clinical testing. Allele origin: germline.
Comment: This variant was observed in the ICSL laboratory as part of a predisposition screen in an ostensibly healthy population. It had not been previously curated by ICSL or reported in the Human Gene Mutation Database (HGMD: prior to June 1st, 2018), and was therefore a candidate for classification through an automated scoring system. Utilizing variant allele frequency, disease prevalence and penetrance estimates, and inheritance mode, an automated score was calculated to assess if this variant is too frequent to cause the disease. Based on the score and internal cut-off values, a variant classified as likely benign is not then subjected to further curation. The score for this variant resulted in a classification of likely benign for this disease.

NM_015166.4(MLC1):c.*1689T>G

Gene: MLC1 (modulator of VRAC current 1; minus strand). Cytogenetic location: 22q13.33.
Variant type: single nucleotide variant.
Coding change: c.*1689T>G on transcript NM_015166.4 (MANE Select); 1689 bases downstream of the stop codon, T replaced by G.
Molecular consequence: 3 prime UTR variant. On other transcripts: non-coding transcript variant (3).
Genome position (GRCh38, 1-based): chr22:50,059,894, A>C on the plus strand (T>G on the coding strand, the complement: MLC1 is on the minus strand). VCF-style: chr22-50059894-A-C. GRCh37 (hg19) VCF-style: chr22-50498323-A-C.
Other names: c.*1689T>G (NM_001376472.1, NM_001376473.1, NM_001376474.1 and 9 more transcripts); c.*304T>G (NM_001376477.1, NM_001376478.1).
Identifiers: ClinVar variation 900144 (VCV000900144.4), dbSNP rs188855026, ClinGen allele CA325478182.